The following is an entry in ClinVar:

NM_130384.3(ATRIP):c.1883-6T>C

Genes: ATRIP (ATR interacting protein; plus strand), ATRIP-TREX1 (ATRIP-TREX1 readthrough; plus strand). Cytogenetic location: 3p21.31.
Variant type: single nucleotide variant.
Coding change: c.1883-6T>C on transcript NM_130384.3 (MANE Select); 6 bases into the intron before coding-DNA position 1883, T replaced by C.
Molecular consequence: intron variant.
Genome position (GRCh38, 1-based): chr3:48,464,035, T>C. VCF-style: chr3-48464035-T-C. GRCh37 (hg19) VCF-style: chr3-48505434-T-C.
Other names: c.1883-6T>C (NM_032166.4); c.1502-6T>C (NM_001271022.2); c.1604-6T>C (NM_001271023.2).
Identifiers: ClinVar variation 2184236 (VCV002184236.4), dbSNP rs373792627, ClinGen allele CA2376317.
Genomic context (GRCh38, chr3:48,464,035, plus strand): 5'-CAGTATGTAGCCCACGCTCTTTATGAGAAAGGGCACCCTGAGTGAGAGGTGCGCTGTCCT[T>C]TTCAGAAGGCTGCCTCCTGCTGCTGCTGTACATGTACATCACATCACGGCCTGACAGAGT-3'

ClinVar aggregate classification (germline): Uncertain significance (1 of 4 stars; one submission).

Allele frequency attached by ClinVar (database versions not stated): ExAC 0.00003; gnomAD 0.00003; TOPMed 0.00003; ESP Exome Variant Server 0.00008.
gnomAD v4.1: 39 of 1,613,298 alleles (0.0024%); highest among the groups gnomAD compares: Middle Eastern, 0.018%; no homozygotes.

Submission:

Labcorp Genetics (formerly Invitae), Labcorp
Classification: Uncertain significance. Last evaluated: 2025-04-10. Review status: criteria provided, single submitter. Criteria: Invitae Variant Classification Sherloc (09022015). Collection method: clinical testing. Allele origin: germline.
Comment: This sequence change falls in intron 9 of the ATRIP gene. It does not directly change the encoded amino acid sequence of the ATRIP protein. This variant is present in population databases (rs373792627, gnomAD 0.008%). This variant has not been reported in the literature in individuals affected with ATRIP-related conditions. ClinVar contains an entry for this variant (Variation ID: 2184236). Algorithms developed to predict the effect of sequence changes on RNA splicing suggest that this variant may disrupt the consensus splice site. In summary, the available evidence is currently insufficient to determine the role of this variant in disease. Therefore, it has been classified as a Variant of Uncertain Significance.